The following is an entry in ClinVar:

ClinVar aggregate classification (germline): Benign/Likely benign. Review status: criteria provided, multiple submitters, no conflicts (2 of 4 stars). 2 submissions from 2 submitters: Benign (1); Likely benign (1). Last evaluated 2025-03-04.

Allele frequency attached by ClinVar (database versions not stated): 1000 Genomes Project 0.00919; gnomAD 0.00922 and 0.00990; ESP Exome Variant Server 0.00985; 1000 Genomes Project 30x 0.00999; TOPMed 0.01067.
gnomAD v4.1: 2,794 of 1,583,564 alleles (0.18%); highest among the groups gnomAD compares: African/African-American, 3.3%; 47 homozygotes.

Submissions (2):

Center for Genomic Medicine, Rigshospitalet, Copenhagen University Hospital
Classification: Benign. Last evaluated: 2025-03-04. Review status: criteria provided, single submitter. Criteria: ACMG Guidelines, 2015. Collection method: clinical testing. Allele origin: germline.

GeneDx
Classification: Likely benign. Last evaluated: 2018-06-14. Review status: criteria provided, single submitter. Criteria: GeneDx Variant Classification (06012015). Collection method: clinical testing. Allele origin: germline. Affected: yes.
Comment: This variant is considered likely benign or benign based on one or more of the following criteria: it is a conservative change, it occurs at a poorly conserved position in the protein, it is predicted to be benign by multiple in silico algorithms, and/or has population frequency not consistent with disease.

NM_002528.7(NTHL1):c.116-37T>C

Gene: NTHL1 (nth like DNA glycosylase 1; minus strand). Cytogenetic location: 16p13.3.
Variant type: single nucleotide variant.
Coding change: c.116-37T>C on transcript NM_002528.7 (MANE Select); 37 bases into the intron before coding-DNA position 116, T replaced by C.
Molecular consequence: intron variant.
Genome position (GRCh38, 1-based): chr16:2,046,403, A>G on the plus strand (T>C on the coding strand, the complement: NTHL1 is on the minus strand). VCF-style: chr16-2046403-A-G. GRCh37 (hg19) VCF-style: chr16-2096404-A-G.
Other names: c.-63-37T>C (NM_001318194.2); c.116-37T>C (NM_001318193.2).
Identifiers: ClinVar variation 679721 (VCV000679721.8), dbSNP rs3211968, ClinGen allele CA7828372.